The following is an entry in ClinVar:

ClinVar aggregate classification (germline): Uncertain significance. Review status: criteria provided, multiple submitters, no conflicts (2 of 4 stars). 2 submissions from 2 submitters: Uncertain significance (2). Last evaluated 2025-07-17.

Conditions:
Cardiovascular phenotype. Identifiers: MedGen CN230736.

gnomAD v4.1: 1 of 1,614,094 alleles (0.000062%); highest among the groups gnomAD compares: African/African-American, 0.0013%; no homozygotes.

Submissions (2):

Dasa
Classification: Uncertain significance. Last evaluated: 2025-07-17. Review status: criteria provided, single submitter. Criteria: DASA Assertion Criteria. Collection method: clinical testing. Allele origin: germline.
Comment: NM_002834.5(PTPN11):c.1301G>C (p.Gly434Ala) is a missense variant that results in the substitution of glycine with alanine. This variant is rare in population databases. The currently available literature and clinical evidence are not sufficient to establish a definitive association between this variant and the reported condition. Therefore, this variant is classified as a variant of uncertain significance.

Ambry Genetics
Classification: Uncertain significance for Cardiovascular phenotype. Last evaluated: 2025-04-11. Review status: criteria provided, single submitter. Criteria: Ambry Variant Classification Scheme 2023. Collection method: clinical testing. Allele origin: germline.
Comment: The p.G434A variant (also known as c.1301G>C), located in coding exon 11 of the PTPN11 gene, results from a G to C substitution at nucleotide position 1301. The glycine at codon 434 is replaced by alanine, an amino acid with similar properties. This amino acid position is conserved. In addition, the in silico prediction for this alteration is inconclusive. Based on the available evidence, the clinical significance of this variant remains unclear.

NM_002834.5(PTPN11):c.1301G>C (p.Gly434Ala)

Gene: PTPN11 (protein tyrosine phosphatase non-receptor type 11; plus strand). Cytogenetic location: 12q24.13.
Variant type: single nucleotide variant.
Coding change: c.1301G>C on transcript NM_002834.5 (MANE Select); coding-DNA position 1301, G replaced by C.
Protein change: p.Gly434Ala; replaces glycine 434 with alanine.
Molecular consequence: missense variant.
Genome position (GRCh38, 1-based): chr12:112,486,551, G>C. VCF-style: chr12-112486551-G-C. GRCh37 (hg19) VCF-style: chr12-112924355-G-C.
Other names: c.1313G>C, p.Gly438Ala (NM_001330437.2); c.1298G>C, p.Gly433Ala (NM_001374625.1); c.1301G>C, p.Gly434Ala (NM_080601.3); short protein forms G433A, G434A, G438A.
Identifiers: ClinVar variation 3940398 (VCV003940398.3).